The following is an entry in ClinVar:

NM_001297.5(CNGB1):c.1105G>C (p.Glu369Gln)

Gene: CNGB1 (cyclic nucleotide gated channel subunit beta 1; minus strand). Cytogenetic location: 16q21.
Variant type: single nucleotide variant.
Coding change: c.1105G>C on transcript NM_001297.5 (MANE Select); coding-DNA position 1105, G replaced by C.
Protein change: p.Glu369Gln; replaces glutamic acid 369 with glutamine.
Molecular consequence: missense variant.
Genome position (GRCh38, 1-based): chr16:57,949,369, C>G on the plus strand (G>C on the coding strand, the complement: CNGB1 is on the minus strand). VCF-style: chr16-57949369-C-G. GRCh37 (hg19) VCF-style: chr16-57983273-C-G.
Other names: c.1087G>C, p.Glu363Gln (NM_001286130.2); short protein forms E363Q, E369Q.
Identifiers: ClinVar variation 1307307 (VCV001307307.6), dbSNP rs2149381293, ClinGen allele CA396075050.
Genomic context (GRCh38, chr16:57,949,369, plus strand): 5'-CCCAGCCCCAGGGCCGTTCCCAGACAGGTGAGCAAATGACTTACTCAGTCACCTCCTCCT[C>G]TTCCTCCTCCTCCTCCTCTTCCTCTTCCTCCTCCTCATCTTCTTTCTCCTCTTCAATCCG-3'
Protein context (NP_001288.3, residues 359-379): EEEEEEEEEE[Glu369Gln]EEVTEVLLDS

ClinVar aggregate classification (germline): Uncertain significance. Review status: criteria provided, multiple submitters, no conflicts (2 of 4 stars). 2 submissions from 2 submitters: Uncertain significance (2). Last evaluated 2022-09-27.

Submissions (2):

Labcorp Genetics (formerly Invitae), Labcorp
Classification: Uncertain significance. Last evaluated: 2022-09-27. Review status: criteria provided, single submitter. Criteria: Invitae Variant Classification Sherloc (09022015). Collection method: clinical testing. Allele origin: germline.
Comment: This variant is not present in population databases (gnomAD no frequency). This variant has not been reported in the literature in individuals affected with CNGB1-related conditions. ClinVar contains an entry for this variant (Variation ID: 1307307). Advanced modeling of protein sequence and biophysical properties (such as structural, functional, and spatial information, amino acid conservation, physicochemical variation, residue mobility, and thermodynamic stability) performed at Invitae indicates that this missense variant is not expected to disrupt CNGB1 protein function. In summary, the available evidence is currently insufficient to determine the role of this variant in disease. Therefore, it has been classified as a Variant of Uncertain Significance. This sequence change replaces glutamic acid, which is acidic and polar, with glutamine, which is neutral and polar, at codon 369 of the CNGB1 protein (p.Glu369Gln).

GeneDx
Classification: Uncertain significance. Last evaluated: 2019-07-23. Review status: criteria provided, single submitter. Criteria: GeneDx Variant Classification Process June 2021. Collection method: clinical testing. Allele origin: germline. Affected: yes.
Comment: Not observed in large population cohorts (Lek et al., 2016); In silico analysis, which includes protein predictors and evolutionary conservation, supports that this variant does not alter protein structure/function; Has not been previously published as pathogenic or benign to our knowledge